The following is an entry in ClinVar:

ClinVar aggregate classification (germline): Uncertain significance (1 of 4 stars; one submission).

Conditions:
Myopathy, proximal, and ophthalmoplegia (CMYO6). Also called: INCLUSION BODY MYOPATHY 3, AUTOSOMAL DOMINANT; CONGENITAL MYOPATHY 6 WITH OPHTHALMOPLEGIA; MYOPATHY WITH CONGENITAL JOINT CONTRACTURES, OPHTHALMOPLEGIA, AND RIMMED VACUOLES. Identifiers: Orphanet 363677, Orphanet 79091, MedGen C1854106, MONDO:0011577, OMIM 605637.

Allele frequency attached by ClinVar (database versions not stated): gnomAD exomes below 0.00001.
gnomAD v4.1: 2 of 1,614,022 alleles (0.00012%); highest among the groups gnomAD compares: Non-Finnish European, 0.00017%; no homozygotes.

Submission:

Labcorp Genetics (formerly Invitae), Labcorp
Classification: Uncertain significance for Myopathy, proximal, and ophthalmoplegia. Last evaluated: 2022-07-25. Review status: criteria provided, single submitter. Criteria: Invitae Variant Classification Sherloc (09022015). Collection method: clinical testing. Allele origin: germline.
Comment: This variant has not been reported in the literature in individuals affected with MYH2-related conditions. In summary, the available evidence is currently insufficient to determine the role of this variant in disease. Therefore, it has been classified as a Variant of Uncertain Significance. Algorithms developed to predict the effect of missense changes on protein structure and function (SIFT, PolyPhen-2, Align-GVGD) all suggest that this variant is likely to be disruptive. ClinVar contains an entry for this variant (Variation ID: 1475502). This variant is not present in population databases (gnomAD no frequency). This sequence change replaces lysine, which is basic and polar, with threonine, which is neutral and polar, at codon 1000 of the MYH2 protein (p.Lys1000Thr).

NM_017534.6(MYH2):c.2999A>C (p.Lys1000Thr)

Genes: MYHAS (myosin heavy chain gene cluster antisense RNA; plus strand), MYH2 (myosin heavy chain 2; minus strand). Cytogenetic location: 17p13.1.
Variant type: single nucleotide variant.
Coding change: c.2999A>C on transcript NM_017534.6 (MANE Select); coding-DNA position 2999, A replaced by C.
Protein change: p.Lys1000Thr; replaces lysine 1000 with threonine.
Molecular consequence: missense variant.
Genome position (GRCh38, 1-based): chr17:10,529,682, T>G on the plus strand (A>C on the coding strand, the complement: MYH2 is on the minus strand). VCF-style: chr17-10529682-T-G. GRCh37 (hg19) VCF-style: chr17-10432999-T-G.
Other names: c.2999A>C, p.Lys1000Thr (NM_001100112.2); short protein forms K1000T.
Identifiers: ClinVar variation 1475502 (VCV001475502.6), dbSNP rs912210806, ClinGen allele CA287739106.
Genomic context (GRCh38, chr17:10,529,682, plus strand): 5'-TCCTCTGCCTGCAGGTCATCCAGGGTCTGCTGGTGGGCCTCCTGGAGAGCCTTCTTCTCC[T>G]TGGTCAGCTTAGCAATGGTTTCATCCAGACCTGCCATCTCTTCTGTGAGGTTTTTCACCT-3'
Protein context (NP_060004.3, residues 990-1010): GLDETIAKLT[Lys1000Thr]EKKALQEAHQ